The following is an entry in ClinVar:

NM_000059.4(BRCA2):c.4654_4657del (p.Gly1552fs)

Gene: BRCA2 (BRCA2 DNA repair associated; plus strand). Cytogenetic location: 13q13.1.
Variant type: Deletion.
Coding change: c.4654_4657del on transcript NM_000059.4 (MANE Select); coding-DNA positions 4654 to 4657, 4 bases deleted (GGTA; older notation c.4654_4657delGGTA).
Protein change: p.Gly1552fs; shifts the reading frame from glycine 1552.
Molecular consequence: frameshift variant.
Genome position (GRCh38, 1-based): chr13:32,339,009-32,339,012, GGTA deleted; deleting any 4 consecutive bases within chr13:32,339,008-32,339,012 gives the same sequence; the c. name uses the placement nearest the transcript's 3' end. VCF-style (leftmost placement, unchanged base first): chr13-32339007-AAGGT-A. GRCh37 (hg19) VCF-style: chr13-32913144-AAGGT-A.
Other names: c.4654_4657delGGTA (NM_000059.3); short protein forms G1552fs.
Identifiers: ClinVar variation 548415 (VCV000548415.10), dbSNP rs1555283889, ClinGen allele CA658823609.
Genomic context (GRCh38, chr13:32,339,007, plus strand): 5'-AAGTTAAAATTGCAAAGGAATCTTTGGACAAAGTGAAAAACCTTTTTGATGAAAAAGAGC[AAGGT>A]ACTAGTGAAATCACCAGTTTTAGCCATCAATGGGCAAAGACCCTAAAGTACAGAGAGGCC-3'

ClinVar aggregate classification (germline): Pathogenic. Review status: reviewed by expert panel (3 of 4 stars). 3 submissions from 3 submitters: Pathogenic (1). 2 of the submissions do not count toward it. Last evaluated 2017-12-15.

Conditions:
Hereditary cancer-predisposing syndrome. Also called: Neoplastic Syndromes, Hereditary; Hereditary neoplastic syndrome; Tumor predisposition; Hereditary Cancer Syndrome. Identifiers: Orphanet 140162, MedGen C0027672, MeSH D009386, MONDO:0015356.
Hereditary breast ovarian cancer syndrome. Also called: Hereditary breast and ovarian cancer; Hereditary breast and/or ovarian cancer syndrome; Hereditary breast and ovarian cancer syndrome (HBOC); Breast and ovarian cancer; BRCA1- and BRCA2-Associated Hereditary Breast and Ovarian Cancer; Hereditary breast and ovarian cancer syndrome. Identifiers: Orphanet 145, MedGen C0677776, MeSH D061325, MONDO:0003582. Disease mechanism: loss of function.
Breast-ovarian cancer, familial, susceptibility to, 2 (BROVCA2). Also called: BRCA2 Hereditary Breast and Ovarian Cancer. Identifiers: Orphanet 145, MedGen C2675520, MONDO:0012933, OMIM 612555. Disease mechanism: loss of function.

Submissions (3):

Evidence-based Network for the Interpretation of Germline Mutant Alleles (ENIGMA)
Classification: Pathogenic for Breast-ovarian cancer, familial, susceptibility to, 2. Last evaluated: 2017-12-15. Review status: reviewed by expert panel. Criteria: ENIGMA BRCA1/2 Classification Criteria (2017-06-29). Collection method: curation. Allele origin: germline. Study: ENIGMA.
Comment: Variant allele predicted to encode a truncated non-functional protein.

Color Diagnostics, LLC DBA Color Health
Classification: Pathogenic for Hereditary cancer-predisposing syndrome. Last evaluated: 2023-03-28. Review status: criteria provided, single submitter. Criteria: ACMG Guidelines, 2015. Collection method: clinical testing. Allele origin: germline. Not counted in ClinVar's aggregate classification.
Comment: This variant deletes 4 nucleotides in exon 11 of the BRCA2 gene, creating a frameshift and premature translation stop signal. This variant is expected to result in an absent or non-functional protein product. This variant has been reported in an individual affected with early-onset breast cancer (PMID: 31300551). This variant has not been identified in the general population by the Genome Aggregation Database (gnomAD). Loss of BRCA2 function is a known mechanism of disease. Based on the available evidence, this variant is classified as Pathogenic.

Labcorp Genetics (formerly Invitae), Labcorp
Classification: Pathogenic for Hereditary breast ovarian cancer syndrome. Last evaluated: 2018-04-25. Review status: criteria provided, single submitter. Criteria: Invitae Variant Classification Sherloc (09022015). Collection method: clinical testing. Allele origin: germline. Not counted in ClinVar's aggregate classification.
Comment: For these reasons, this variant has been classified as Pathogenic. Loss-of-function variants in BRCA2 are known to be pathogenic (PMID: 20104584). This variant has been reported in individuals in the Leiden Open-source Variation Database (PMID: 21520333). This variant is not present in population databases (ExAC no frequency). This sequence change creates a premature translational stop signal (p.Gly1552Leufs*15) in the BRCA2 gene. It is expected to result in an absent or disrupted protein product.

Literature cited by the submitters: PubMed 31300551 (cited by Color Diagnostics, LLC DBA Color Health); PubMed 20104584 (cited by Labcorp Genetics (formerly Invitae), Labcorp); PubMed 21520333 (cited by Labcorp Genetics (formerly Invitae), Labcorp).